The following is an entry in ClinVar:

NM_000100.4(CSTB):c.178G>A (p.Gly60Ser)

Gene: CSTB (cystatin B; minus strand). Cytogenetic location: 21q22.3.
Variant type: single nucleotide variant.
Coding change: c.178G>A on transcript NM_000100.4 (MANE Select); coding-DNA position 178, G replaced by A.
Protein change: p.Gly60Ser; replaces glycine 60 with serine.
Molecular consequence: missense variant.
Genome position (GRCh38, 1-based): chr21:43,774,321, C>T on the plus strand (G>A on the coding strand, the complement: CSTB is on the minus strand). VCF-style: chr21-43774321-C-T. GRCh37 (hg19) VCF-style: chr21-45194202-C-T.
Other names: short protein forms G60S.
Identifiers: ClinVar variation 1308695 (VCV001308695.2), dbSNP rs759511758, ClinGen allele CA10048882.

ClinVar aggregate classification (germline): Uncertain significance (1 of 4 stars; one submission).

Allele frequency attached by ClinVar (database versions not stated): TOPMed below 0.00001; gnomAD exomes 0.00001 and 0.00002; ExAC 0.00002.
gnomAD v4.1: 19 of 1,614,194 alleles (0.0012%); highest among the groups gnomAD compares: South Asian, 0.0022%; no homozygotes.

Submission:

GeneDx
Classification: Uncertain significance. Last evaluated: 2019-09-25. Review status: criteria provided, single submitter. Criteria: GeneDx Variant Classification Process June 2021. Collection method: clinical testing. Allele origin: germline. Affected: yes.
Comment: Not observed at a significant frequency in large population cohorts (Lek et al., 2016); In silico analysis, which includes protein predictors and evolutionary conservation, supports a deleterious effect; Has not been previously published as pathogenic or benign to our knowledge